The following is an entry in ClinVar:

ClinVar aggregate classification (germline): Pathogenic. Review status: criteria provided, multiple submitters, no conflicts (2 of 4 stars). 2 submissions from 2 submitters: Pathogenic (2). Last evaluated 2026-02-11.

Conditions:
Multiple congenital exostosis (EXT). Also called: Multiple exostoses; Hereditary multiple exostoses; Hereditary multiple exostosis; MULTIPLE CARTILAGINOUS EXOSTOSES; Hereditary multiple osteochondromas; Multiple osteochondromas. Identifiers: Orphanet 321, MedGen C0015306, MONDO:0005508, HP:0002762.
Exostoses, multiple, type 1 (EXT1). Also called: Hereditary Multiple Osteochondromatosis, Type I; EXOSTOSES, MULTIPLE, TYPE I. Identifiers: MedGen CN263289, MONDO:0007585, OMIM 133700.

Submissions (2):

Institute of Human Genetics, University of Leipzig Medical Center
Classification: Pathogenic for Exostoses, multiple, type 1. Last evaluated: 2026-02-11. Review status: criteria provided, single submitter. Criteria: ACMG Guidelines, 2015. Collection method: clinical testing. Allele origin: unknown. Inheritance: Autosomal dominant inheritance. Affected: yes.
Comment: Criteria applied: PVS1,PM2,PS4_SUP

Labcorp Genetics (formerly Invitae), Labcorp
Classification: Pathogenic for Multiple congenital exostosis. Last evaluated: 2017-10-22. Review status: criteria provided, single submitter. Criteria: Invitae Variant Classification Sherloc (09022015). Collection method: clinical testing. Allele origin: germline.
Comment: This sequence change creates a premature translational stop signal (p.Tyr93*) in the EXT1 gene. It is expected to result in an absent or disrupted protein product. This variant is not present in population databases (ExAC no frequency). This variant has not been reported in the literature in individuals with EXT1-related disease. Loss-of-function variants in EXT1 are known to be pathogenic (PMID: 10679937, 11391482, 19810120). For these reasons, this variant has been classified as Pathogenic.

Literature cited by the submitters: PubMed 10679937 (cited by Labcorp Genetics (formerly Invitae), Labcorp); PubMed 11391482 (cited by Labcorp Genetics (formerly Invitae), Labcorp); PubMed 19810120 (cited by Labcorp Genetics (formerly Invitae), Labcorp).

NM_000127.3(EXT1):c.279C>G (p.Tyr93Ter)

Gene: EXT1 (exostosin glycosyltransferase 1; minus strand). Cytogenetic location: 8q24.11.
Variant type: single nucleotide variant.
Coding change: c.279C>G on transcript NM_000127.3 (MANE Select); coding-DNA position 279, C replaced by G.
Protein change: p.Tyr93Ter; replaces tyrosine 93 with a stop codon.
Molecular consequence: nonsense.
Genome position (GRCh38, 1-based): chr8:118,110,768, G>C on the plus strand (C>G on the coding strand, the complement: EXT1 is on the minus strand). VCF-style: chr8-118110768-G-C. GRCh37 (hg19) VCF-style: chr8-119123007-G-C.
Other names: short protein forms Y93*.
Identifiers: ClinVar variation 526308 (VCV000526308.7), dbSNP rs1227875610, ClinGen allele CA371916215.